The following is an entry in ClinVar:

ClinVar aggregate classification (germline): Uncertain significance (1 of 4 stars; one submission).

gnomAD v4.1: 16 of 1,590,136 alleles (0.001%); highest among the groups gnomAD compares: Non-Finnish European, 0.0013%; no homozygotes.

Submission:

Labcorp Genetics (formerly Invitae), Labcorp
Classification: Uncertain significance. Last evaluated: 2022-08-23. Review status: criteria provided, single submitter. Criteria: Invitae Variant Classification Sherloc (09022015). Collection method: clinical testing. Allele origin: germline.
Comment: This sequence change replaces serine, which is neutral and polar, with leucine, which is neutral and non-polar, at codon 48 of the TSEN54 protein (p.Ser48Leu). This variant is present in population databases (no rsID available, gnomAD 0.003%). This variant has not been reported in the literature in individuals affected with TSEN54-related conditions. ClinVar contains an entry for this variant (Variation ID: 1497389). Algorithms developed to predict the effect of missense changes on protein structure and function (SIFT, PolyPhen-2, Align-GVGD) all suggest that this variant is likely to be disruptive. In summary, the available evidence is currently insufficient to determine the role of this variant in disease. Therefore, it has been classified as a Variant of Uncertain Significance.

NM_207346.3(TSEN54):c.143C>T (p.Ser48Leu)

Gene: TSEN54 (tRNA splicing endonuclease subunit 54; plus strand). Cytogenetic location: 17q25.1.
Variant type: single nucleotide variant.
Coding change: c.143C>T on transcript NM_207346.3 (MANE Select); coding-DNA position 143, C replaced by T.
Protein change: p.Ser48Leu; replaces serine 48 with leucine.
Molecular consequence: missense variant.
Genome position (GRCh38, 1-based): chr17:75,516,832, C>T. VCF-style: chr17-75516832-C-T. GRCh37 (hg19) VCF-style: chr17-73512913-C-T.
Other names: short protein forms S48L.
Identifiers: ClinVar variation 1497389 (VCV001497389.3), dbSNP rs1479320072, ClinGen allele CA401027086.
Genomic context (GRCh38, chr17:75,516,832, plus strand): 5'-CGCGGTCGCAGAAGCTGCCCCAGCGCTCGCATGGCCCCAAGGACTTTCTGCCCGACGGCT[C>T]GGCAGCTCAGGCCGAGCGGCTGCGCCGGTGCCGGGAAGAGCTCTGGCAGCTGCTGGCAGA-3'
Protein context (NP_997229.2, residues 38-58): HGPKDFLPDG[Ser48Leu]AAQAERLRRC